The following is an entry in ClinVar:

ClinVar aggregate classification (germline): Likely pathogenic (1 of 4 stars; one submission).

Submission:

Labcorp Genetics (formerly Invitae), Labcorp
Classification: Likely pathogenic. Last evaluated: 2022-07-23. Review status: criteria provided, single submitter. Criteria: Invitae Variant Classification Sherloc (09022015). Collection method: clinical testing. Allele origin: germline.
Comment: This sequence change affects a donor splice site in intron 55 of the HSPG2 gene. It is expected to disrupt RNA splicing. Variants that disrupt the donor or acceptor splice site typically lead to a loss of protein function (PMID: 16199547), and loss-of-function variants in HSPG2 are known to be pathogenic (PMID: 11279527, 16927315, 20542149, 23836246). This variant is not present in population databases (gnomAD no frequency). This variant has not been reported in the literature in individuals affected with HSPG2-related conditions. Algorithms developed to predict the effect of sequence changes on RNA splicing suggest that this variant may disrupt the consensus splice site. In summary, the currently available evidence indicates that the variant is pathogenic, but additional data are needed to prove that conclusively. Therefore, this variant has been classified as Likely Pathogenic.

Literature cited by the submitters: PubMed 16199547; PubMed 11279527; PubMed 16927315; PubMed 20542149; PubMed 23836246.

NM_005529.7(HSPG2):c.7158+2T>C

Gene: HSPG2 (heparan sulfate proteoglycan 2; minus strand). Cytogenetic location: 1p36.12.
Variant type: single nucleotide variant.
Coding change: c.7158+2T>C on transcript NM_005529.7 (MANE Select); the canonical splice donor site of the intron after coding-DNA position 7158, T replaced by C.
Molecular consequence: splice donor variant.
Genome position (GRCh38, 1-based): chr1:21,851,544, A>G on the plus strand (T>C on the coding strand, the complement: HSPG2 is on the minus strand). VCF-style: chr1-21851544-A-G. GRCh37 (hg19) VCF-style: chr1-22178037-A-G.
Other names: c.7161+2T>C (NM_001291860.2).
Identifiers: ClinVar variation 2019051 (VCV002019051.4), dbSNP rs2550682749, ClinGen allele CA338925800.